The following is an entry in ClinVar:

NM_020549.5(CHAT):c.1784A>T (p.Glu595Val)

Gene: CHAT (choline O-acetyltransferase; plus strand). Cytogenetic location: 10q11.23.
Variant type: single nucleotide variant.
Coding change: c.1784A>T on transcript NM_020549.5 (MANE Select); coding-DNA position 1784, A replaced by T.
Protein change: p.Glu595Val; replaces glutamic acid 595 with valine.
Molecular consequence: missense variant.
Genome position (GRCh38, 1-based): chr10:49,655,393, A>T. VCF-style: chr10-49655393-A-T. GRCh37 (hg19) VCF-style: chr10-50863439-A-T.
Other names: c.1430A>T, p.Glu477Val (NM_001142929.2, NM_001142934.2, NM_020984.4 and 2 more transcripts); c.1538A>T, p.Glu513Val (NM_001142933.2); short protein forms E477V, E513V, E595V.
Identifiers: ClinVar variation 935150 (VCV000935150.8), dbSNP rs190968891, ClinGen allele CA5497632.

ClinVar aggregate classification (germline): Uncertain significance. Review status: criteria provided, multiple submitters, no conflicts (2 of 4 stars). 2 submissions from 2 submitters: Uncertain significance (2). Last evaluated 2023-03-22.

Conditions:
Inborn genetic diseases. Identifiers: MedGen C0950123, MeSH D030342.
Familial infantile myasthenia (CMS6). Also called: MYASTHENIC SYNDROME, PRESYNAPTIC, CONGENITAL, ASSOCIATED WITH EPISODIC APNEA; MYASTHENIC SYNDROME, CONGENITAL, 6, PRESYNAPTIC; Congenital myasthenic syndrome type 6. Identifiers: Orphanet 590, MedGen C0393929, MONDO:0009689, OMIM 254210.

Allele frequency attached by ClinVar (database versions not stated): gnomAD exomes below 0.00001 and 0.00002; gnomAD 0.00001; ExAC 0.00003; 1000 Genomes Project 30x 0.00016; 1000 Genomes Project 0.00020.
gnomAD v4.1: 6 of 1,614,108 alleles (0.00037%); highest among the groups gnomAD compares: East Asian, 0.013%; no homozygotes.

Submissions (2):

Ambry Genetics
Classification: Uncertain significance for Inborn genetic diseases. Last evaluated: 2023-03-22. Review status: criteria provided, single submitter. Criteria: Ambry Variant Classification Scheme 2023. Collection method: clinical testing. Allele origin: germline.

Labcorp Genetics (formerly Invitae), Labcorp
Classification: Uncertain significance for Familial infantile myasthenia. Last evaluated: 2022-09-07. Review status: criteria provided, single submitter. Criteria: Invitae Variant Classification Sherloc (09022015). Collection method: clinical testing. Allele origin: germline.
Comment: This sequence change replaces glutamic acid, which is acidic and polar, with valine, which is neutral and non-polar, at codon 595 of the CHAT protein (p.Glu595Val). This variant is present in population databases (rs190968891, gnomAD 0.03%). This variant has not been reported in the literature in individuals affected with CHAT-related conditions. ClinVar contains an entry for this variant (Variation ID: 935150). Advanced modeling of protein sequence and biophysical properties (such as structural, functional, and spatial information, amino acid conservation, physicochemical variation, residue mobility, and thermodynamic stability) performed at Invitae indicates that this missense variant is not expected to disrupt CHAT protein function. In summary, the available evidence is currently insufficient to determine the role of this variant in disease. Therefore, it has been classified as a Variant of Uncertain Significance.